The following is an entry in ClinVar:

NM_004798.4(KIF3B):c.457C>T (p.Arg153Ter)

Gene: KIF3B (kinesin family member 3B; plus strand). Cytogenetic location: 20q11.21.
Variant type: single nucleotide variant.
Coding change: c.457C>T on transcript NM_004798.4 (MANE Select); coding-DNA position 457, C replaced by T.
Protein change: p.Arg153Ter; replaces arginine 153 with a stop codon.
Molecular consequence: nonsense.
Genome position (GRCh38, 1-based): chr20:32,310,234, C>T. VCF-style: chr20-32310234-C-T. GRCh37 (hg19) VCF-style: chr20-30898037-C-T.
Other names: short protein forms R153*.
Identifiers: ClinVar variation 3534422 (VCV003534422.1).

ClinVar aggregate classification (germline): Uncertain significance (1 of 4 stars; one submission).

Submission:

Ambry Genetics
Classification: Uncertain significance. Last evaluated: 2024-11-18. Review status: criteria provided, single submitter. Criteria: Ambry Variant Classification Scheme 2023. Collection method: clinical testing. Allele origin: germline.
Comment: The c.457C>T (p.R153*) alteration, located in exon 2 (coding exon 1) of the KIF3B gene, consists of a C to T substitution at nucleotide position 457. This changes the amino acid from an arginine (R) to a stop codon at amino acid position 153. This alteration is expected to result in premature protein truncation or nonsense-mediated mRNA decay. However, loss of function of KIF3B has not been established as a mechanism of disease. Based on data from gnomAD, the T allele has an overall frequency of <0.001% (1/250400) total alleles studied. The highest observed frequency was 0.001% (1/112970) of European (non-Finnish) alleles. This variant was reported de novo in one individual with childhood onset biliary atresia who also carried a second de novo variant in the SPEF2 gene (Lam, 2021). Based on insufficient or conflicting evidence, the clinical significance of this alteration remains unclear.

Literature cited by the submitters: PubMed 34455394.